The following is an entry in ClinVar:

NM_000492.4(CFTR):c.2619+3A>G

Gene: CFTR (CF transmembrane conductance regulator; plus strand). Cytogenetic location: 7q31.2.
Variant type: single nucleotide variant.
Coding change: c.2619+3A>G on transcript NM_000492.4 (MANE Select); 3 bases into the intron after coding-DNA position 2619, A replaced by G.
Molecular consequence: intron variant.
Genome position (GRCh38, 1-based): chr7:117,595,061, A>G. VCF-style: chr7-117595061-A-G. GRCh37 (hg19) VCF-style: chr7-117235115-A-G.
Identifiers: ClinVar variation 53525 (VCV000053525.6), dbSNP rs397508408, ClinGen allele CA326864.
Genomic context (GRCh38, chr7:117,595,061, plus strand): 5'-TGTCCACAAGAGCTTAATTTTTGTGCTAATTTGGTGCTTAGTAATTTTTCTGGCAGAGGT[A>G]AGAATGTTCTATTGTAAAGTATTACTGGATTTAAAGTTAAATTAAGATAGTTTGGGGATG-3'

ClinVar aggregate classification (germline): Uncertain significance. Review status: criteria provided, multiple submitters, no conflicts (2 of 4 stars). 4 submissions from 4 submitters: Uncertain significance (2). 2 of the submissions do not count toward it. Last evaluated 2026-03-23.

Conditions:
Cystic fibrosis (CF). Also called: MUCOVISCIDOSIS. Identifiers: Orphanet 586, MedGen C0010674, MONDO:0009061, OMIM 219700. Disease mechanism: loss of function.

Allele frequency attached by ClinVar (database versions not stated): gnomAD exomes below 0.00001.
gnomAD v4.1: 1 of 1,611,086 alleles (0.000062%); highest among the groups gnomAD compares: Non-Finnish European, 0.000085%; no homozygotes.

Submissions (4):

Women's Health and Genetics/Laboratory Corporation of America, LabCorp
Classification: Uncertain significance. Last evaluated: 2026-03-23. Review status: criteria provided, single submitter. Criteria: LabCorp Variant Classification Summary - May 2015. Collection method: clinical testing. Allele origin: germline.
Comment: Variant summary: CFTR c.2619+3A>G alters a conserved nucleotide located close to a canonical splice site and therefore could affect mRNA splicing, leading to a significantly altered protein sequence. Consensus agreement among computation tools predict no significant impact on normal splicing. However, these predictions have yet to be confirmed by functional studies. The variant was absent in 251258 control chromosomes. The available data on variant occurrences in the general population are insufficient to allow any conclusion about variant significance. c.2619+3A>G has been reported in the literature in individuals affected with Cystic Fibrosis including a patient with a pathogenic second allele, a patient with a pathogenic variant in cis, and other patients with no zygosity details specified (Alonso_2006, Trujilano_2013, Lopes_2023, Caballero_2015, Maruri-Aransolo_2025). The variant has also been reported in CBAVD patients (Casals_2000). These data do not allow any conclusion about variant significance. To our knowledge, no experimental evidence demonstrating an impact on protein function has been reported. The following publications have been ascertained in the context of this evaluation (PMID: 17331079, 26429520, 10875853, 36437230, 23687349, 40461090). ClinVar contains an entry for this variant (Variation ID: 53525). Based on the evidence outlined above, the variant was classified as uncertain significance.

Ambry Genetics
Classification: Uncertain significance for Cystic fibrosis. Last evaluated: 2022-12-16. Review status: criteria provided, single submitter. Criteria: Ambry Variant Classification Scheme 2023. Collection method: clinical testing. Allele origin: germline.
Comment: The c.2619+3A>G intronic variant results from an A to G substitution 3 nucleotides after coding exon 15 in the CFTR gene. This nucleotide position is well conserved in available vertebrate species. In silico splice site analysis predicts that this alteration may weaken the native splice donor site. Since supporting evidence is limited at this time, the clinical significance of this alteration remains unclear.

Counsyl
Classification: Uncertain significance for Cystic fibrosis. Last evaluated: 2017-11-25. Review status: no assertion criteria provided. Collection method: clinical testing. Allele origin: unknown. Not counted in ClinVar's aggregate classification.

ClinVar Staff, National Center for Biotechnology Information (NCBI)
No classification provided. Condition: CFTR-related disorders. Review status: no classification provided. Collection method: literature only. Allele origin: germline. Affected: yes. Not counted in ClinVar's aggregate classification.

Literature cited by the submitters: PubMed 10875853 (cited by Women's Health and Genetics/Laboratory Corporation of America, LabCorp and ClinVar Staff, National Center for Biotechnology Information (NCBI)); PubMed 17331079 (cited by Women's Health and Genetics/Laboratory Corporation of America, LabCorp and ClinVar Staff, National Center for Biotechnology Information (NCBI)); PubMed 23687349 (cited by Women's Health and Genetics/Laboratory Corporation of America, LabCorp and Counsyl); PubMed 26429520 (cited by Women's Health and Genetics/Laboratory Corporation of America, LabCorp); PubMed 36437230 (cited by Women's Health and Genetics/Laboratory Corporation of America, LabCorp); PubMed 40461090 (cited by Women's Health and Genetics/Laboratory Corporation of America, LabCorp).